The following is an entry in ClinVar:

ClinVar aggregate classification (germline): Likely pathogenic (1 of 4 stars; one submission).

Submission:

Genetics Laboratory, UDIAT-Centre Diagnòstic, Hospital Universitari Parc Tauli
Classification: Likely pathogenic. Last evaluated: 2021-04-26. Review status: criteria provided, single submitter. Criteria: Parc Tauli Hospital Assertion Criteria 2021. Collection method: clinical testing. Allele origin: unknown. Inheritance: Autosomal dominant inheritance. Affected: yes. Observed: 1 heterozygote.
Comment: PVS1_very strong;PM2_supporting

Literature cited by the submitters: PubMed 31776469.

NM_004859.4(CLTC):c.4481del (p.Ser1494fs)

Genes: CLTC (clathrin heavy chain; plus strand), LOC125177523 (Sharpr-MPRA regulatory region 12460; plus strand). Cytogenetic location: 17q23.1.
Variant type: Deletion.
Coding change: c.4481del on transcript NM_004859.4 (MANE Select); coding-DNA position 4481, one base deleted (C; older notation c.4481delC).
Protein change: p.Ser1494fs; shifts the reading frame from serine 1494.
Molecular consequence: frameshift variant.
Genome position (GRCh38, 1-based): chr17:59,685,102, C deleted. VCF-style (leftmost placement, unchanged base first): chr17-59685101-TC-T. GRCh37 (hg19) VCF-style: chr17-57762462-TC-T.
Other names: c.4493del, p.Ser1498fs (NM_001288653.2); short protein forms S1494fs, S1498fs.
Identifiers: ClinVar variation 1098416 (VCV001098416.2), dbSNP rs2143600670, ClinGen allele CA2499224772.